The following is an entry in ClinVar:

ClinVar aggregate classification (germline): Uncertain significance (1 of 4 stars; one submission).

Submission:

Ambry Genetics
Classification: Uncertain significance. Last evaluated: 2022-01-10. Review status: criteria provided, single submitter. Criteria: Ambry Variant Classification Scheme 2023. Collection method: clinical testing. Allele origin: germline.
Comment: The p.I1899L variant (also known as c.5695A>C), located in coding exon 8 of the ALPK2 gene, results from an A to C substitution at nucleotide position 5695. The isoleucine at codon 1899 is replaced by leucine, an amino acid with highly similar properties. This amino acid position is conserved. In addition, this alteration is predicted to be tolerated by in silico analysis. Since supporting evidence is limited at this time, the clinical significance of this alteration remains unclear.

NM_052947.4(ALPK2):c.5695A>C (p.Ile1899Leu)

Gene: ALPK2 (alpha kinase 2; minus strand). Cytogenetic location: 18q21.31.
Variant type: single nucleotide variant.
Coding change: c.5695A>C on transcript NM_052947.4 (MANE Select); coding-DNA position 5695, A replaced by C.
Protein change: p.Ile1899Leu; replaces isoleucine 1899 with leucine.
Molecular consequence: missense variant.
Genome position (GRCh38, 1-based): chr18:58,517,153, T>G on the plus strand (A>C on the coding strand, the complement: ALPK2 is on the minus strand). VCF-style: chr18-58517153-T-G. GRCh37 (hg19) VCF-style: chr18-56184385-T-G.
Other names: short protein forms I1899L.
Identifiers: ClinVar variation 1749104 (VCV001749104.2), dbSNP rs2518863002, ClinGen allele CA402549287.
Genomic context (GRCh38, chr18:58,517,153, plus strand): 5'-CGATCTGACCACGCAGGCGGCCCCCAAAGTAGCTGTCATGGAGGAAGTCTTCTTTGAAGA[T>G]GAGTTGGCTGAATTCAATCTCTTCACATCCTGAAACACAGCACAGCTTTGGTTGGAAAGA-3'
Protein context (NP_443179.3, residues 1889-1909): GCEEIEFSQL[Ile1899Leu]FKEDFLHDSY